The following is an entry in ClinVar:

NM_032447.5(FBN3):c.7336+9C>A

Gene: FBN3 (fibrillin 3; minus strand). Cytogenetic location: 19p13.2.
Variant type: single nucleotide variant.
Coding change: c.7336+9C>A on transcript NM_032447.5 (MANE Select); 9 bases into the intron after coding-DNA position 7336, C replaced by A.
Molecular consequence: intron variant.
Genome position (GRCh38, 1-based): chr19:8,081,349, G>T on the plus strand (C>A on the coding strand, the complement: FBN3 is on the minus strand). VCF-style: chr19-8081349-G-T. GRCh37 (hg19) VCF-style: chr19-8146233-G-T.
Other names: c.7336+9C>A (NM_001321431.1, NM_001321431.2).
Identifiers: ClinVar variation 719824 (VCV000719824.11), dbSNP rs182716206, ClinGen allele CA9150939.
Genomic context (GRCh38, chr19:8,081,349, plus strand): 5'-TTGGGCATCCCTTTGGGGCCCTAGACTGCATGCAGTGGTGGGAGTGGGGGAGAGTTGAAA[G>T]GACATCACCTTTGCAGGTCCTGCCATCCTCCTCCAGCAGGTAGCCTCGGGGACAGCTGCA-3'

ClinVar aggregate classification (germline): Benign. Review status: criteria provided, single submitter (1 of 4 stars). 2 submissions from 2 submitters: Benign (1). 1 of the submissions does not count toward it. Last evaluated 2026-02-01.

Conditions:
FBN3-related disorder. Also called: FBN3-related condition.

Allele frequency attached by ClinVar (database versions not stated): ExAC 0.00204; gnomAD 0.00513 and 0.00549; ESP Exome Variant Server 0.00538; TOPMed 0.00582; 1000 Genomes Project 30x 0.00671; 1000 Genomes Project 0.00699.
gnomAD v4.1: 1,574 of 1,592,742 alleles (0.099%); highest among the groups gnomAD compares: African/African-American, 1.9%; 16 homozygotes.

Submissions (2):

Labcorp Genetics (formerly Invitae), Labcorp
Classification: Benign. Last evaluated: 2026-02-01. Review status: criteria provided, single submitter. Criteria: Invitae Variant Classification Sherloc (09022015). Collection method: clinical testing. Allele origin: germline.

PreventionGenetics, part of Exact Sciences
Classification: Benign for FBN3-related condition. Last evaluated: 2019-05-02. Review status: no assertion criteria provided. Collection method: clinical testing. Allele origin: germline. Not counted in ClinVar's aggregate classification.
Comment: This variant is classified as benign based on ACMG/AMP sequence variant interpretation guidelines (Richards et al. 2015 PMID: 25741868, with internal and published modifications).